The following is an entry in ClinVar:

NM_000152.5(GAA):c.560C>G (p.Ala187Gly)

Gene: GAA (alpha glucosidase; plus strand). Cytogenetic location: 17q25.3.
Variant type: single nucleotide variant.
Coding change: c.560C>G on transcript NM_000152.5 (MANE Select); coding-DNA position 560, C replaced by G.
Protein change: p.Ala187Gly; replaces alanine 187 with glycine.
Molecular consequence: missense variant.
Genome position (GRCh38, 1-based): chr17:80,105,762, C>G. VCF-style: chr17-80105762-C-G. GRCh37 (hg19) VCF-style: chr17-78079561-C-G.
Other names: p.Ala187Gly; c.560C>G, p.Ala187Gly (NM_001079803.3, NM_001079804.3); short protein forms A187G.
Identifiers: ClinVar variation 1309106 (VCV001309106.7), dbSNP rs749876645, ClinGen allele CA8814928.

ClinVar aggregate classification (germline): Uncertain significance. Review status: criteria provided, multiple submitters, no conflicts (2 of 4 stars). 3 submissions from 3 submitters: Uncertain significance (3). Last evaluated 2025-03-17.

Conditions:
Glycogen storage disease, type II (IOPD). Also called: CARDIOMEGALIA GLYCOGENICA DIFFUSA; GLYCOGENOSIS, GENERALIZED, CARDIAC FORM; GSD II; Glycogen storage disease type 2; Acid maltase deficiency disease; Aglucosidase alfa. Identifiers: Orphanet 365, MedGen C0017921, MONDO:0009290, OMIM 232300.

Allele frequency attached by ClinVar (database versions not stated): gnomAD exomes below 0.00001; TOPMed below 0.00001; ExAC 0.00001; gnomAD 0.00001.
gnomAD v4.1: 6 of 1,612,268 alleles (0.00037%); highest among the groups gnomAD compares: Non-Finnish European, 0.00051%; no homozygotes.

Submissions (3):

Mayo Clinic Laboratories, Mayo Clinic
Classification: Uncertain significance. Last evaluated: 2025-03-17. Review status: criteria provided, single submitter. Criteria: ACMG Guidelines, 2015. Collection method: clinical testing. Allele origin: germline. Observed: 1 variant allele.
Comment: BP4, PM2_supporting

Labcorp Genetics (formerly Invitae), Labcorp
Classification: Uncertain significance for Glycogen storage disease, type II. Last evaluated: 2021-09-15. Review status: criteria provided, single submitter. Criteria: Invitae Variant Classification Sherloc (09022015). Collection method: clinical testing. Allele origin: germline.
Comment: This sequence change replaces alanine with glycine at codon 187 of the GAA protein (p.Ala187Gly). The alanine residue is moderately conserved and there is a small physicochemical difference between alanine and glycine. This variant is present in population databases (rs749876645, ExAC 0.002%). This variant has not been reported in the literature in individuals affected with GAA-related conditions. Advanced modeling of protein sequence and biophysical properties (such as structural, functional, and spatial information, amino acid conservation, physicochemical variation, residue mobility, and thermodynamic stability) performed at Invitae indicates that this missense variant is not expected to disrupt GAA protein function. Algorithms developed to predict the effect of sequence changes on RNA splicing suggest that this variant may create or strengthen a splice site. In summary, the available evidence is currently insufficient to determine the role of this variant in disease. Therefore, it has been classified as a Variant of Uncertain Significance.

GeneDx
Classification: Uncertain significance. Last evaluated: 2019-10-02. Review status: criteria provided, single submitter. Criteria: GeneDx Variant Classification Process June 2021. Collection method: clinical testing. Allele origin: germline. Affected: yes.
Comment: Has not been previously published as pathogenic or benign to our knowledge; Not observed at a significant frequency in large population cohorts (Lek et al., 2016); In silico analysis, which includes splice predictors and evolutionary conservation, suggests this variant may impact gene splicing. In the absence of RNA/functional studies, the actual effect of this sequence change is unknown.